The following is an entry in ClinVar:

ClinVar aggregate classification (germline): Pathogenic (1 of 4 stars; one submission).

Conditions:
8q24.3 microdeletion syndrome. Also called: CHROMOSOME 8q24.3 DELETION SYNDROME; Verheij syndrome. Identifiers: Orphanet 508488, MedGen C3810023, MONDO:0014263, OMIM 615583.

Submission:

Imagene.me medical diagnostic laboratory, IMAGENE.ME SA
Classification: Pathogenic for 8q24.3 microdeletion syndrome. Review status: criteria provided, single submitter. Criteria: IMAGENE.ME Variant Classification SOP 2022. Collection method: clinical testing. Allele origin: germline. Affected: yes.
Comment: Classified according to the IMAGENE.ME variant classification SOP based on the ACMG guidelines as Pathogenic (P): PVS1 + PM2 + PP4

NM_078480.3(PUF60):c.1064_1065insAC (p.Ala357fs)

Gene: PUF60 (poly(U) binding splicing factor 60; minus strand). Cytogenetic location: 8q24.3.
Variant type: Insertion.
Coding change: c.1064_1065insAC on transcript NM_078480.3 (MANE Select); coding-DNA positions 1064 to 1065, AC inserted.
Protein change: p.Ala357fs; shifts the reading frame from alanine 357.
Molecular consequence: frameshift variant.
Genome position: GRCh38 VCF-style: chr8-143817410-G-GGT. GRCh37 (hg19) VCF-style: chr8-144899580-G-GGT.
Other names: c.935_936insAC, p.Ala314fs (NM_001136033.3); c.1010_1011insAC, p.Ala339fs (NM_001271096.2); c.926_927insAC, p.Ala311fs (NM_001271097.2); c.1061_1062insAC, p.Ala356fs (NM_001271098.2); c.977_978insAC, p.Ala328fs (NM_001271099.2); c.884_885insAC, p.Ala297fs (NM_001271100.2); c.1175_1176insAC, p.Ala394fs (NM_001362895.2, NM_001362896.2); c.1124_1125insAC, p.Ala377fs (NM_001362897.2); and 1 more; short protein forms A297fs, A311fs, A314fs, A328fs, A339fs, A340fs, A356fs, A357fs.
Identifiers: ClinVar variation 4685507 (VCV004685507.1).